The following is an entry in ClinVar:

NM_000834.5(GRIN2B):c.4197T>C (p.His1399=)

Gene: GRIN2B (glutamate ionotropic receptor NMDA type subunit 2B; minus strand). Cytogenetic location: 12p13.1.
Variant type: single nucleotide variant.
Coding change: c.4197T>C on transcript NM_000834.5 (MANE Select); coding-DNA position 4197, T replaced by C.
Protein change: p.His1399=; no amino-acid change (histidine 1399 retained).
Molecular consequence: synonymous variant.
Genome position (GRCh38, 1-based): chr12:13,563,041, A>G on the plus strand (T>C on the coding strand, the complement: GRIN2B is on the minus strand). VCF-style: chr12-13563041-A-G. GRCh37 (hg19) VCF-style: chr12-13715975-A-G.
Other names: p.His1399=.
Identifiers: ClinVar variation 98432 (VCV000098432.27), dbSNP rs1805247, ClinGen allele CA153050.

ClinVar aggregate classification (germline): Benign. Review status: criteria provided, multiple submitters, no conflicts (2 of 4 stars). 11 submissions from 10 submitters: Benign (9). 2 of the submissions do not count toward it. Last evaluated 2026-02-03.

Conditions:
Inborn genetic diseases. Identifiers: MedGen C0950123, MeSH D030342.
Intellectual developmental disorder, autosomal dominant 6, with or without seizures. Also called: Intellectual disability, autosomal dominant 6; GRIN2B-related developmental delay, intellectual disability and autism spectrum disorder. Identifiers: Orphanet 589547, MedGen C3151411, MONDO:0013509, OMIM 613970.
Developmental and epileptic encephalopathy, 27 (DEE27). Also called: Epileptic encephalopathy, early infantile, 27; GRIN2B-Related Neurodevelopmental Disorder. Identifiers: Orphanet 3451, MedGen C4015316, MONDO:0014505, OMIM 616139.

Allele frequency attached by ClinVar (database versions not stated): 1000 Genomes Project 0.21725; 1000 Genomes Project 30x 0.21893; gnomAD exomes 0.09931 and 0.12965; ExAC 0.13764; ESP Exome Variant Server 0.16615; gnomAD 0.16651 and 0.16667; TOPMed 0.17265.
gnomAD v4.1: 171,303 of 1,613,904 alleles (11%); highest among the groups gnomAD compares: African/African-American, 34%; 12,512 homozygotes.

Submissions (11):

Labcorp Genetics (formerly Invitae), Labcorp
Classification: Benign for Developmental and epileptic encephalopathy, 27; Intellectual developmental disorder, autosomal dominant 6, with or without seizures. Last evaluated: 2026-02-03. Review status: criteria provided, single submitter. Criteria: Invitae Variant Classification Sherloc (09022015). Collection method: clinical testing. Allele origin: germline.

Unidad de Genómica Garrahan, Hospital de Pediatría Garrahan
Classification: Benign. Last evaluated: 2024-07-15. Review status: criteria provided, single submitter. Criteria: ACMG Guidelines, 2015. Collection method: clinical testing. Allele origin: germline. Affected: no. Observed: 20 variant alleles.
Comment: This variant is classified as Benign based on local population frequency. This variant was detected in 22% of patients studied in a panel designed for Epileptic and Developmental Encephalopathy and Progressive Myoclonus Epilepsy. Number of patients: 20. Only high quality variants are reported.

Genome-Nilou Lab
Classification: Benign for Developmental and epileptic encephalopathy, 27. Last evaluated: 2021-08-10. Review status: criteria provided, single submitter. Criteria: ACMG Guidelines, 2015. Collection method: clinical testing. Allele origin: germline. Affected: no.

Genome-Nilou Lab
Classification: Benign for Intellectual developmental disorder, autosomal dominant 6, with or without seizures. Last evaluated: 2021-08-10. Review status: criteria provided, single submitter. Criteria: ACMG Guidelines, 2015. Collection method: clinical testing. Allele origin: germline. Affected: no.

Mayo Clinic Laboratories, Mayo Clinic
Classification: Benign. Last evaluated: 2018-04-10. Review status: criteria provided, single submitter. Criteria: ACMG Guidelines, 2015. Collection method: clinical testing. Allele origin: germline. Observed: 147 variant alleles.

Athena Diagnostics
Classification: Benign. Last evaluated: 2017-04-20. Review status: criteria provided, single submitter. Criteria: Athena Diagnostics Criteria. Collection method: clinical testing. Allele origin: germline.

Ambry Genetics
Classification: Benign for Inborn genetic diseases. Last evaluated: 2016-01-08. Review status: criteria provided, single submitter. Criteria: Ambry Variant Classification Scheme 2023. Collection method: clinical testing. Allele origin: germline.

GeneDx
Classification: Benign. Last evaluated: 2015-03-03. Review status: criteria provided, single submitter. Criteria: GeneDx Variant Classification Process June 2021. Collection method: clinical testing. Allele origin: germline. Affected: yes.

Breakthrough Genomics
Classification: Benign. Review status: criteria provided, single submitter. Criteria: ACMG Guidelines, 2015. Collection method: not provided. Allele origin: germline. Inheritance: Autosomal dominant inheritance. Affected: yes.

Genetic Services Laboratory, University of Chicago
Classification: Likely benign for AllHighlyPenetrant. Review status: no assertion criteria provided. Collection method: clinical testing. Allele origin: germline. Inheritance: Autosomal dominant inheritance. Not counted in ClinVar's aggregate classification.
Comment: Likely benign based on allele frequency in 1000 Genomes Project or ESP global frequency and its presence in a patient with a rare or unrelated disease phenotype. NOT Sanger confirmed.

Psychiatry Genetics Yale University
No classification provided. Review status: no classification provided. Collection method: not provided. Allele origin: not provided. Not counted in ClinVar's aggregate classification.